The following is an entry in ClinVar:

NM_000443.4(ABCB4):c.3349C>T (p.Gln1117Ter)

Gene: ABCB4 (ATP binding cassette subfamily B member 4; minus strand). Cytogenetic location: 7q21.12.
Variant type: single nucleotide variant.
Coding change: c.3349C>T on transcript NM_000443.4 (MANE Select); coding-DNA position 3349, C replaced by T.
Protein change: p.Gln1117Ter; replaces glutamine 1117 with a stop codon.
Molecular consequence: nonsense.
Genome position (GRCh38, 1-based): chr7:87,406,425, G>A on the plus strand (C>T on the coding strand, the complement: ABCB4 is on the minus strand). VCF-style: chr7-87406425-G-A. GRCh37 (hg19) VCF-style: chr7-87035741-G-A.
Other names: c.3349C>T (NM_000443.3); c.3370C>T, p.Gln1124Ter (NM_018849.3); c.3208C>T, p.Gln1070Ter (NM_018850.3); short protein forms Q1117*, Q1124*, Q1070*.
Identifiers: ClinVar variation 2735040 (VCV002735040.6), dbSNP rs148279875, ClinGen allele CA162103682.
Genomic context (GRCh38, chr7:87,406,425, plus strand): 5'-GGCTGTTGTCTCCATAGGCAATATTCTCGGCAATGCTGCAGTCAAATAGGATAGGCTCCT[G>A]AGACACGATTCCGAGTTGAGCTCTGAGCCACTGGACATTGAGTTTCTTTGCTTCTTGACC-3'

ClinVar aggregate classification (germline): Pathogenic/Likely pathogenic. Review status: criteria provided, multiple submitters, no conflicts (2 of 4 stars). 3 submissions from 3 submitters: Pathogenic (2); Likely pathogenic (1). Last evaluated 2026-04-22.

Conditions:
ABCB4-related disorder. Also called: ABCB4-related disorders; ABCB4-related condition.
Low phospholipid associated cholelithiasis (GBD1). Also called: Gallstone cholecystitis; Gallbladder disease 1. Identifiers: Orphanet 69663, MedGen C2609268, MONDO:0010939, OMIM 600803.

Allele frequency attached by ClinVar (database versions not stated): gnomAD exomes below 0.00001; TOPMed below 0.00001; gnomAD 0.00001; ESP Exome Variant Server 0.00008.
gnomAD v4.1: 3 of 1,613,926 alleles (0.00019%); highest among the groups gnomAD compares: Non-Finnish European, 0.00025%; no homozygotes.

Submissions (3):

PreventionGenetics, part of Exact Sciences
Classification: Likely pathogenic for ABCB4-related condition. Last evaluated: 2026-04-22. Review status: criteria provided, single submitter. Criteria: ACMG Guidelines, 2015. Collection method: clinical testing. Allele origin: germline.
Comment: The ABCB4 c.3349C>T variant is predicted to result in premature protein termination (p.Gln1117*). This variant has been reported in an individual with low phospholipid associated cholelithiasis (Davit-Spraul et al. 2010. PubMed ID: 20422496). This variant is reported in 0.00088% of alleles in individuals of European (Non-Finnish) descent in gnomAD. Frameshift variants in ABCB4 are expected to be pathogenic. This variant is interpreted as likely pathogenic.

Genomenon, Inc
Classification: Pathogenic for Low phospholipid associated cholelithiasis. Last evaluated: 2026-04-14. Review status: criteria provided, single submitter. Criteria: Genomenon Sequence Variant Interpretation Standards - Updated. Collection method: curation. Allele origin: germline. Affected: yes.
Comment: ABCB4 p.Gln1117Ter (c.3349C>T) is a nonsense variant that introduces a premature stop codon at amino acid position 1117, creating a truncated protein that is predicted to undergo nonsense-mediated mRNA decay. This variant has been observed in at least one proband with an ABCB4-related disorder (PMID:20422496). It is absent or not present at a significant frequency in gnomAD. In conclusion, we classify ABCB4 p.Gln1117Ter (c.3349C>T) as a pathogenic variant.

Labcorp Genetics (formerly Invitae), Labcorp
Classification: Pathogenic. Last evaluated: 2024-02-01. Review status: criteria provided, single submitter. Criteria: Invitae Variant Classification Sherloc (09022015). Collection method: clinical testing. Allele origin: germline.
Comment: This sequence change creates a premature translational stop signal (p.Gln1117*) in the ABCB4 gene. It is expected to result in an absent or disrupted protein product. Loss-of-function variants in ABCB4 are known to be pathogenic (PMID: 17726488, 25755532). This variant is not present in population databases (gnomAD no frequency). This premature translational stop signal has been observed in individual(s) with progressive familial intrahepatic cholestasis (PMID: 20422496). For these reasons, this variant has been classified as Pathogenic.

Literature cited by the submitters: PubMed 20422496 (cited by Genomenon, Inc and Labcorp Genetics (formerly Invitae), Labcorp); PubMed 17726488 (cited by Labcorp Genetics (formerly Invitae), Labcorp); PubMed 25755532 (cited by Labcorp Genetics (formerly Invitae), Labcorp).